The following is an entry in ClinVar:

ClinVar aggregate classification (somatic clinical impact): Tier II - Potential (1 of 4 stars; one submission).

Conditions:
Inflammatory myofibroblastic tumor. Also called: Inflammatory pseudotumor; Inflammatory fibrosarcoma. Identifiers: Orphanet 178342, MedGen C0334121, MONDO:0015798.

Submission:

Institute for Genomic Medicine (IGM) Clinical Laboratory, Nationwide Children's Hospital
Classification: Tier II - Potential for Inflammatory myofibroblastic tumor. Assertion type: diagnostic. Clinical significance: supports diagnosis. Last evaluated: 2023-12-07. Review status: criteria provided, single submitter. Criteria: AMP/ASCO/CAP Guidelines, 2017. Collection method: clinical testing. Allele origin: somatic. Affected: yes.
Comment: Variant has Tier II (potential) clinical significance as a diagnostic inclusion criterion in inflammatory myofibroblastic tumor, based on the following evidence: 1) Assists in diagnosis alone or along with other biomarkers based on small studies or few case reports (Evidence Level D).

NM_002227.4(JAK1):c.1954T>A (p.Tyr652Asn)

Genes: JAK1 (Janus kinase 1; minus strand), LOC126805749 (BRD4-independent group 4 enhancer GRCh37_chr1:65312286-65313485; plus strand). Cytogenetic location: 1p31.3.
Variant type: single nucleotide variant.
Coding change: c.1954T>A on transcript NM_002227.4 (MANE Select); coding-DNA position 1954, T replaced by A.
Protein change: p.Tyr652Asn; replaces tyrosine 652 with asparagine.
Molecular consequence: missense variant.
Genome position (GRCh38, 1-based): chr1:64,846,682, A>T on the plus strand (T>A on the coding strand, the complement: JAK1 is on the minus strand). VCF-style: chr1-64846682-A-T. GRCh37 (hg19) VCF-style: chr1-65312365-A-T.
Other names: c.1954T>A, p.Tyr652Asn (NM_001320923.2, NM_001321852.2, NM_001321853.2 and 3 more transcripts); c.1951T>A, p.Tyr651Asn (NM_001321857.2); short protein forms Y651N, Y652N.
Identifiers: ClinVar variation 4530517 (VCV004530517.1).
Genomic context (GRCh38, chr1:64,846,682, plus strand): 5'-CACCCCTTTGAAAGAGAACACACTTACTCTCCACGTCGCGGACACAGACGCCATAGAGGT[A>T]CACGATGTGTTTGTGGGAGACCTGTCTCATCATGCTGGCTGCCTCGAAGAAGGCCTGTGG-3'
Protein context (NP_002218.2, residues 642-662): MRQVSHKHIV[Tyr652Asn]LYGVCVRDVE